The following is an entry in ClinVar:

NC_000023.10:g.(?_22108527)_(22108635_?)dup

Gene: PHEX (phosphate regulating endopeptidase X-linked; plus strand). Cytogenetic location: Xp22.11.
Variant type: Duplication.
Identifiers: ClinVar variation 1510737 (VCV001510737.5).

ClinVar aggregate classification (germline): Uncertain significance (1 of 4 stars; one submission).

Submission:

Labcorp Genetics (formerly Invitae), Labcorp
Classification: Uncertain significance. Last evaluated: 2022-04-30. Review status: criteria provided, single submitter. Criteria: Invitae Variant Classification Sherloc (09022015). Collection method: clinical testing. Allele origin: germline.
Comment: In summary, the available evidence is currently insufficient to determine the role of this variant in disease. Therefore, it has been classified as a Variant of Uncertain Significance. This variant results in a copy number gain of the genomic region encompassing exon(s) 6 of the PHEX gene. While the exact position of this variant cannot be determined from the data, sub-genic copy number gains are generally in tandem (PMID: 25640679). This variant is predicted to be in-frame, and likely preserves the integrity of the reading frame. A similar copy number variant has been observed in individual(s) with hypophosphatemic rickets (Invitae). Experimental studies and prediction algorithms are not available or were not evaluated, and the functional significance of this variant is currently unknown.

Literature cited by the submitters: PubMed 25640679.